The following is an entry in ClinVar:

ClinVar aggregate classification (germline): Pathogenic/Likely pathogenic. Review status: criteria provided, multiple submitters, no conflicts (2 of 4 stars). 3 submissions from 3 submitters: Pathogenic (1); Likely pathogenic (2). Last evaluated 2026-10-20.

Conditions:
Multiple endocrine neoplasia, type 2 (MEN2). Identifiers: Orphanet 653, MedGen C4048306, MONDO:0019003. Disease mechanism: gain of function.
RET-related disorder. Also called: RET-related condition; RET-related disease; RET-related disorders.

Submissions (3):

GeneDx
Classification: Likely pathogenic. Last evaluated: 2026-10-20. Review status: criteria provided, single submitter. Criteria: GeneDx Variant Classification Process June 2021. Collection method: clinical testing. Allele origin: germline.
Comment: Not observed at significant frequency in large population cohorts (gnomAD); Published functional studies suggest a damaging effect through decreased glycosylation and lack of localization to the cell membrane (PMID: 31649719); In silico analysis suggests that this missense variant does not alter protein structure/function; This variant is associated with the following publications: (PMID: 29665843, 14633923, 16732321, Huret2020[article], 31649719, 10982477, 10618407, 29261189)

PreventionGenetics, part of Exact Sciences
Classification: Likely pathogenic for RET-related condition. Last evaluated: 2025-06-02. Review status: criteria provided, single submitter. Criteria: ACMG Guidelines, 2015. Collection method: clinical testing. Allele origin: germline.
Comment: The RET c.229C>T variant is predicted to result in the amino acid substitution p.Arg77Cys. This variant has been reported in individuals with Hirschsprung disease (Bolk et al. 2000. PubMed ID: 10618407; Munnes et al. 2000. PubMed ID: 10982477; Jiang et al. 2017. PubMed ID: 29261189). In one family, it was determined to be a low-level mosaic variant in the affected individual's father, whose only reported symptom was moderate gastrointestinal obstipation throughout his life (Munnes et al. 2000. PubMed ID: 10982477; Jiang et al. 2017. PubMed ID: 29261189). In vitro experimental studies indicate this variant disrupts glycosylation, leading to mislocalization of the protein (Wang et al. 2019. PubMed ID: 31649719). This variant has not been reported in a large population database (gnomAD), indicating it is rare. In ClinVar, this variant is classified as pathogenic or likely pathogenic. This variant is interpreted as likely pathogenic.

Labcorp Genetics (formerly Invitae), Labcorp
Classification: Pathogenic for Multiple endocrine neoplasia, type 2. Last evaluated: 2021-03-29. Review status: criteria provided, single submitter. Criteria: Invitae Variant Classification Sherloc (09022015). Collection method: clinical testing. Allele origin: germline.
Comment: For these reasons, this variant has been classified as Pathogenic. Algorithms developed to predict the effect of missense changes on protein structure and function are either unavailable or do not agree on the potential impact of this missense change (SIFT: "Deleterious"; PolyPhen-2: "Possibly Damaging"; Align-GVGD: "Class C0"). This variant has been observed in individual(s) with Hirschsprung disease (PMID: 10618407, 10982477, 29261189). In at least one individual the variant was observed to be de novo. This variant is not present in population databases (ExAC no frequency). This sequence change replaces arginine with cysteine at codon 77 of the RET protein (p.Arg77Cys). The arginine residue is weakly conserved and there is a large physicochemical difference between arginine and cysteine.

Literature cited by the submitters: PubMed 10618407 (cited by Labcorp Genetics (formerly Invitae), Labcorp); PubMed 10982477 (cited by Labcorp Genetics (formerly Invitae), Labcorp); PubMed 29261189 (cited by Labcorp Genetics (formerly Invitae), Labcorp).

NM_020975.6(RET):c.229C>T (p.Arg77Cys)

Gene: RET (ret proto-oncogene; plus strand). Cytogenetic location: 10q11.21.
Variant type: single nucleotide variant.
Coding change: c.229C>T on transcript NM_020975.6 (MANE Select); coding-DNA position 229, C replaced by T.
Protein change: p.Arg77Cys; replaces arginine 77 with cysteine.
Molecular consequence: missense variant.
Genome position (GRCh38, 1-based): chr10:43,100,614, C>T. VCF-style: chr10-43100614-C-T. GRCh37 (hg19) VCF-style: chr10-43596062-C-T.
Other names: c.229C>T, p.Arg77Cys (NM_000323.2, NM_001406743.1, NM_001406744.1 and 34 more transcripts); short protein forms R77C.
Identifiers: ClinVar variation 1069381 (VCV001069381.13), dbSNP rs1588862595, ClinGen allele CA376770362.